The following is an entry in ClinVar:

ClinVar aggregate classification (germline): Uncertain significance (1 of 4 stars; one submission).

Conditions:
Cystic fibrosis (CF). Also called: MUCOVISCIDOSIS. Identifiers: Orphanet 586, MedGen C0010674, MONDO:0009061, OMIM 219700. Disease mechanism: loss of function.

Submission:

Ambry Genetics
Classification: Uncertain significance for Cystic fibrosis. Last evaluated: 2024-08-30. Review status: criteria provided, single submitter. Criteria: Ambry Variant Classification Scheme 2023. Collection method: clinical testing. Allele origin: germline.
Comment: The p.I285S variant (also known as c.854T>G), located in coding exon 7 of the CFTR gene, results from a T to G substitution at nucleotide position 854. The isoleucine at codon 285 is replaced by serine, an amino acid with dissimilar properties. This amino acid position is conserved. In addition, this alteration is predicted to be deleterious by in silico analysis. Based on the available evidence, the clinical significance of this variant remains unclear.

NM_000492.4(CFTR):c.854T>G (p.Ile285Ser)

Gene: CFTR (CF transmembrane conductance regulator; plus strand). Cytogenetic location: 7q31.2.
Variant type: single nucleotide variant.
Coding change: c.854T>G on transcript NM_000492.4 (MANE Select); coding-DNA position 854, T replaced by G.
Protein change: p.Ile285Ser; replaces isoleucine 285 with serine.
Molecular consequence: missense variant.
Genome position (GRCh38, 1-based): chr7:117,536,658, T>G. VCF-style: chr7-117536658-T-G. GRCh37 (hg19) VCF-style: chr7-117176712-T-G.
Other names: short protein forms I285S.
Identifiers: ClinVar variation 3491660 (VCV003491660.1).